The following is an entry in ClinVar:

ClinVar aggregate classification (germline): Uncertain significance. Review status: criteria provided, multiple submitters, no conflicts (2 of 4 stars). 2 submissions from 2 submitters: Uncertain significance (2). Last evaluated 2025-03-25.

Conditions:
Hereditary cancer-predisposing syndrome. Also called: Neoplastic Syndromes, Hereditary; Tumor predisposition; Hereditary neoplastic syndrome; Hereditary Cancer Syndrome. Identifiers: Orphanet 140162, MedGen C0027672, MeSH D009386, MONDO:0015356.

Allele frequency attached by ClinVar (database versions not stated): gnomAD exomes below 0.00001; TOPMed below 0.00001; gnomAD 0.00001.
gnomAD v4.1: 3 of 1,612,710 alleles (0.00019%); highest among the groups gnomAD compares: Non-Finnish European, 0.00017%; no homozygotes.

Submissions (2):

Ambry Genetics
Classification: Uncertain significance for Hereditary cancer-predisposing syndrome. Last evaluated: 2025-03-25. Review status: criteria provided, single submitter. Criteria: Ambry Variant Classification Scheme 2023. Collection method: clinical testing. Allele origin: germline.
Comment: The p.R337S variant (also known as c.1011G>C), located in coding exon 7 of the RAD50 gene, results from a G to C substitution at nucleotide position 1011. The arginine at codon 337 is replaced by serine, an amino acid with dissimilar properties. This amino acid position is highly conserved through mammals but not in all available vertebrate species. In addition, this alteration is predicted to be tolerated by in silico analysis. Since supporting evidence is limited at this time, the clinical significance of this alteration remains unclear.

Labcorp Genetics (formerly Invitae), Labcorp
Classification: Uncertain significance for Hereditary cancer-predisposing syndrome. Last evaluated: 2024-10-15. Review status: criteria provided, single submitter. Criteria: Invitae Variant Classification Sherloc (09022015). Collection method: clinical testing. Allele origin: germline.
Comment: This sequence change replaces arginine, which is basic and polar, with serine, which is neutral and polar, at codon 337 of the RAD50 protein (p.Arg337Ser). This variant is present in population databases (rs768156761, gnomAD 0.01%). This variant has not been reported in the literature in individuals affected with RAD50-related conditions. ClinVar contains an entry for this variant (Variation ID: 567627). Invitae Evidence Modeling of protein sequence and biophysical properties (such as structural, functional, and spatial information, amino acid conservation, physicochemical variation, residue mobility, and thermodynamic stability) indicates that this missense variant is not expected to disrupt RAD50 protein function with a negative predictive value of 80%. In summary, the available evidence is currently insufficient to determine the role of this variant in disease. Therefore, it has been classified as a Variant of Uncertain Significance.

NM_005732.4(RAD50):c.1011G>C (p.Arg337Ser)

Gene: RAD50 (RAD50 double strand break repair protein; plus strand). Cytogenetic location: 5q31.1.
Variant type: single nucleotide variant.
Coding change: c.1011G>C on transcript NM_005732.4 (MANE Select); coding-DNA position 1011, G replaced by C.
Protein change: p.Arg337Ser; replaces arginine 337 with serine.
Molecular consequence: missense variant.
Genome position (GRCh38, 1-based): chr5:132,588,049, G>C. VCF-style: chr5-132588049-G-C. GRCh37 (hg19) VCF-style: chr5-131923741-G-C.
Other names: short protein forms R337S.
Identifiers: ClinVar variation 567627 (VCV000567627.12), dbSNP rs768156761, ClinGen allele CA127242925.